The following is an entry in ClinVar:

NM_182760.4(SUMF1):c.1015-149T>C

Gene: SUMF1 (sulfatase modifying factor 1; minus strand). Cytogenetic location: 3p26.1.
Variant type: single nucleotide variant.
Coding change: c.1015-149T>C on transcript NM_182760.4 (MANE Select); 149 bases into the intron before coding-DNA position 1015, T replaced by C.
Molecular consequence: intron variant.
Genome position (GRCh38, 1-based): chr3:4,362,403, A>G on the plus strand (T>C on the coding strand, the complement: SUMF1 is on the minus strand). VCF-style: chr3-4362403-A-G. GRCh37 (hg19) VCF-style: chr3-4404087-A-G.
Other names: c.940-149T>C (NM_001164674.2); c.955-149T>C (NM_001164675.2).
Identifiers: ClinVar variation 684132 (VCV000684132.2), dbSNP rs2819560, ClinGen allele CA11547206.
Genomic context (GRCh38, chr3:4,362,403, plus strand): 5'-ACAGTGCTTCCCCACAACCCTGCCTGTATGGATACTTAACATGTATGCTTTAAAAAGGGC[A>G]GCACATTCAAGAACTAACCACATATTTTCCAACGTCCTTCACCTTATAAATGTAACACGG-3'

ClinVar aggregate classification (germline): Benign. Review status: criteria provided, multiple submitters, no conflicts (2 of 4 stars). 2 submissions from 2 submitters: Benign (2). Last evaluated 2018-06-19.

Allele frequency attached by ClinVar (database versions not stated): gnomAD exomes 0.59705; gnomAD 0.60773 and 0.61342; TOPMed 0.62389; 1000 Genomes Project 30x 0.70066; 1000 Genomes Project 0.70427.
gnomAD v4.1: 417,086 of 694,362 alleles (60%); highest among the groups gnomAD compares: East Asian, 77%; 128,543 homozygotes.

Submissions (2):

GeneDx
Classification: Benign. Last evaluated: 2018-06-19. Review status: criteria provided, single submitter. Criteria: GeneDx Variant Classification (06012015). Collection method: clinical testing. Allele origin: germline. Affected: yes.
Comment: This variant is considered likely benign or benign based on one or more of the following criteria: it is a conservative change, it occurs at a poorly conserved position in the protein, it is predicted to be benign by multiple in silico algorithms, and/or has population frequency not consistent with disease.

Breakthrough Genomics
Classification: Benign. Review status: criteria provided, single submitter. Criteria: ACMG Guidelines, 2015. Collection method: not provided. Allele origin: germline. Inheritance: Autosomal recessive inheritance. Affected: yes.